The following is an entry in ClinVar:

NM_001378969.1(KCND3):c.1373G>T (p.Gly458Val)

Gene: KCND3 (potassium voltage-gated channel subfamily D member 3; minus strand). Cytogenetic location: 1p13.2.
Variant type: single nucleotide variant.
Coding change: c.1373G>T on transcript NM_001378969.1 (MANE Select); coding-DNA position 1373, G replaced by T.
Protein change: p.Gly458Val; replaces glycine 458 with valine.
Molecular consequence: missense variant.
Genome position (GRCh38, 1-based): chr1:111,780,313, C>A on the plus strand (G>T on the coding strand, the complement: KCND3 is on the minus strand). VCF-style: chr1-111780313-C-A. GRCh37 (hg19) VCF-style: chr1-112322935-C-A.
Other names: c.1373G>T, p.Gly458Val (NM_001378970.1, NM_004980.5, NM_172198.3); short protein forms G458V.
Identifiers: ClinVar variation 4041476 (VCV004041476.1).

ClinVar aggregate classification (germline): Uncertain significance (1 of 4 stars; one submission).

Conditions:
Cardiovascular phenotype. Identifiers: MedGen CN230736.

gnomAD v4.1: 1 of 1,563,002 alleles (0.000064%); highest among the groups gnomAD compares: Non-Finnish European, 0.000087%; no homozygotes.

Submission:

Ambry Genetics
Classification: Uncertain significance for Cardiovascular phenotype. Last evaluated: 2025-05-06. Review status: criteria provided, single submitter. Criteria: Ambry Variant Classification Scheme 2023. Collection method: clinical testing. Allele origin: germline.
Comment: The p.G458V variant (also known as c.1373G>T), located in coding exon 4 of the KCND3 gene, results from a G to T substitution at nucleotide position 1373. The glycine at codon 458 is replaced by valine, an amino acid with dissimilar properties. This amino acid position is conserved. In addition, the in silico prediction for this alteration is inconclusive. Based on the available evidence, the clinical significance of this variant remains unclear.